The following is an entry in ClinVar:

ClinVar aggregate classification (germline): Uncertain significance. Review status: criteria provided, single submitter (1 of 4 stars). 2 submissions from 2 submitters: Uncertain significance (1). 1 of the submissions does not count toward it. Last evaluated 2023-07-10.

Conditions:
Hereditary insensitivity to pain with anhidrosis (CIPA). Also called: FAMILIAL DYSAUTONOMIA, TYPE II; NEUROPATHY, CONGENITAL SENSORY, WITH ANHIDROSIS; INSENSITIVITY TO PAIN, CONGENITAL, WITH ANHIDROSIS; hereditary sensory and autonomic neuropathy type 4; HSAN Type IV; NTRK1 Congenital Insensitivity to Pain with Anhidrosis. Identifiers: Orphanet 642, MedGen C0020074, MONDO:0009746, OMIM 256800.

Allele frequency attached by ClinVar (database versions not stated): TOPMed below 0.00001; gnomAD 0.00001; gnomAD exomes 0.00001.
gnomAD v4.1: 14 of 1,611,852 alleles (0.00087%); highest among the groups gnomAD compares: South Asian, 0.0011%; no homozygotes.

Submissions (2):

Labcorp Genetics (formerly Invitae), Labcorp
Classification: Uncertain significance for Hereditary insensitivity to pain with anhidrosis. Last evaluated: 2023-07-10. Review status: criteria provided, single submitter. Criteria: Invitae Variant Classification Sherloc (09022015). Collection method: clinical testing. Allele origin: germline.
Comment: This variant has not been reported in the literature in individuals affected with NTRK1-related conditions. This variant is present in population databases (no rsID available, gnomAD 0.009%). This sequence change replaces arginine, which is basic and polar, with histidine, which is basic and polar, at codon 347 of the NTRK1 protein (p.Arg347His). In summary, the available evidence is currently insufficient to determine the role of this variant in disease. Therefore, it has been classified as a Variant of Uncertain Significance. Advanced modeling of protein sequence and biophysical properties (such as structural, functional, and spatial information, amino acid conservation, physicochemical variation, residue mobility, and thermodynamic stability) performed at Invitae indicates that this missense variant is not expected to disrupt NTRK1 protein function. ClinVar contains an entry for this variant (Variation ID: 942147).

Natera, Inc.
Classification: Uncertain significance for Hereditary insensitivity to pain with anhidrosis. Last evaluated: 2020-03-19. Review status: no assertion criteria provided. Collection method: clinical testing. Allele origin: germline. Not counted in ClinVar's aggregate classification.

NM_002529.4(NTRK1):c.1040G>A (p.Arg347His)

Gene: NTRK1 (neurotrophic receptor tyrosine kinase 1; plus strand). Cytogenetic location: 1q23.1.
Variant type: single nucleotide variant.
Coding change: c.1040G>A on transcript NM_002529.4 (MANE Select); coding-DNA position 1040, G replaced by A.
Protein change: p.Arg347His; replaces arginine 347 with histidine.
Molecular consequence: missense variant.
Genome position (GRCh38, 1-based): chr1:156,873,822, G>A. VCF-style: chr1-156873822-G-A. GRCh37 (hg19) VCF-style: chr1-156843614-G-A.
Other names: c.950G>A, p.Arg317His (NM_001007792.1); c.1040G>A, p.Arg347His (NM_001012331.2); short protein forms R317H, R347H.
Identifiers: ClinVar variation 942147 (VCV000942147.12), dbSNP rs797045060, ClinGen allele CA31115332.